The following is an entry in ClinVar:

ClinVar aggregate classification (germline): Benign/Likely benign. Review status: criteria provided, multiple submitters, no conflicts (2 of 4 stars). 5 submissions from 5 submitters: Benign (1); Likely benign (3). 1 of the submissions does not count toward it. Last evaluated 2025-11-03.

Conditions:
ACE-related disorder. Also called: ACE-related disorders; ACE-related condition.

Allele frequency attached by ClinVar (database versions not stated): gnomAD exomes 0.00005; ExAC 0.00024; gnomAD 0.00068; TOPMed 0.00074; ESP Exome Variant Server 0.00077; 1000 Genomes Project 30x 0.00078; 1000 Genomes Project 0.00080.
gnomAD v4.1: 179 of 1,613,696 alleles (0.011%); highest among the groups gnomAD compares: African/African-American, 0.21%; 1 homozygote.

Submissions (5):

Labcorp Genetics (formerly Invitae), Labcorp
Classification: Benign. Last evaluated: 2025-11-03. Review status: criteria provided, single submitter. Criteria: Invitae Variant Classification Sherloc (09022015). Collection method: clinical testing. Allele origin: germline.

Mayo Clinic Laboratories, Mayo Clinic
Classification: Likely benign. Last evaluated: 2025-03-05. Review status: criteria provided, single submitter. Criteria: ACMG Guidelines, 2015. Collection method: clinical testing. Allele origin: germline. Observed: 1 variant allele.
Comment: BS1, BP4, BP7

Blueprint Genetics
Classification: Likely benign. Last evaluated: 2024-05-06. Review status: criteria provided, single submitter. Criteria: ACMG Guidelines, 2015. Collection method: clinical testing. Allele origin: germline.

CeGaT Center for Human Genetics Tuebingen
Classification: Likely benign. Last evaluated: 2022-03-01. Review status: criteria provided, single submitter. Criteria: CeGaT Center For Human Genetics Tuebingen Variant Classification Criteria Version 2. Collection method: clinical testing. Allele origin: germline. Affected: yes. Observed: 1 variant allele.
Comment: ACE: BP4, BP7

PreventionGenetics, part of Exact Sciences
Classification: Likely benign for ACE-related condition. Last evaluated: 2019-09-19. Review status: no assertion criteria provided. Collection method: clinical testing. Allele origin: germline. Not counted in ClinVar's aggregate classification.
Comment: This variant is classified as likely benign based on ACMG/AMP sequence variant interpretation guidelines (Richards et al. 2015 PMID: 25741868, with internal and published modifications).

NM_000789.4(ACE):c.474C>T (p.Leu158=)

Gene: ACE (angiotensin I converting enzyme; plus strand). Cytogenetic location: 17q23.3.
Variant type: single nucleotide variant.
Coding change: c.474C>T on transcript NM_000789.4 (MANE Select); coding-DNA position 474, C replaced by T.
Protein change: p.Leu158=; no amino-acid change (leucine 158 retained).
Molecular consequence: synonymous variant. On other transcripts: intron variant (2).
Genome position (GRCh38, 1-based): chr17:63,479,063, C>T. VCF-style: chr17-63479063-C-T. GRCh37 (hg19) VCF-style: chr17-61556424-C-T.
Other names: p.Leu158=; c.-198+965C>T (NM_001382701.1); c.182+965C>T (NM_001382700.1); c.474C>T (NM_000789.3).
Identifiers: ClinVar variation 2048509 (VCV002048509.31), dbSNP rs148351680, ClinGen allele CA8699085.
Genomic context (GRCh38, chr17:63,479,063, plus strand): 5'-CCAGTACAACGCCCTGCTAAGCAACATGAGCAGGATCTACTCCACCGCCAAGGTCTGCCT[C>T]CCCAACAAGACTGCCACCTGCTGGTCCCTGGACCCAGGTACGGCCCTTGCAGCTCCCCTC-3'
Protein context (NP_000780.1, residues 148-168): SRIYSTAKVC[Leu158=]PNKTATCWSL